The following is an entry in ClinVar:

ClinVar aggregate classification (germline): Likely benign (0 of 4 stars; one submission).

Conditions:
CELSR3-related disorder. Also called: CELSR3-related condition.

Submission:

PreventionGenetics, part of Exact Sciences
Classification: Likely benign for CELSR3-related condition. Last evaluated: 2019-09-17. Review status: no assertion criteria provided. Collection method: clinical testing. Allele origin: germline.
Comment: This variant is classified as likely benign based on ACMG/AMP sequence variant interpretation guidelines (Richards et al. 2015 PMID: 25741868, with internal and published modifications).

NM_001407.3(CELSR3):c.7395A>T (p.Leu2465=)

Gene: CELSR3 (cadherin EGF LAG seven-pass G-type receptor 3; minus strand). Cytogenetic location: 3p21.31.
Variant type: single nucleotide variant.
Coding change: c.7395A>T on transcript NM_001407.3 (MANE Select); coding-DNA position 7395, A replaced by T.
Protein change: p.Leu2465=; no amino-acid change (leucine 2465 retained).
Molecular consequence: synonymous variant.
Genome position (GRCh38, 1-based): chr3:48,646,158, T>A on the plus strand (A>T on the coding strand, the complement: CELSR3 is on the minus strand). VCF-style: chr3-48646158-T-A. GRCh37 (hg19) VCF-style: chr3-48683591-T-A.
Identifiers: ClinVar variation 3354961 (VCV003354961.1).